The following is an entry in ClinVar:

NM_016356.5(DCDC2):c.1024-5A>G

Gene: DCDC2 (doublecortin domain containing 2; minus strand). Cytogenetic location: 6p22.3.
Variant type: single nucleotide variant.
Coding change: c.1024-5A>G on transcript NM_016356.5 (MANE Select); 5 bases into the intron before coding-DNA position 1024, A replaced by G.
Molecular consequence: intron variant.
Genome position (GRCh38, 1-based): chr6:24,178,637, T>C on the plus strand (A>G on the coding strand, the complement: DCDC2 is on the minus strand). VCF-style: chr6-24178637-T-C. GRCh37 (hg19) VCF-style: chr6-24178865-T-C.
Other names: c.1024-5A>G (NM_016356.4, NM_001195610.2).
Identifiers: ClinVar variation 3762417 (VCV003762417.3).

ClinVar aggregate classification (germline): Likely benign. Review status: criteria provided, multiple submitters, no conflicts (2 of 4 stars). 2 submissions from 2 submitters: Likely benign (2). Last evaluated 2025-06-16.

Conditions:
DCDC2-related disorder. Also called: DCDC2-related condition.
Autosomal recessive nonsyndromic hearing loss 66 (DFNB66). Also called: Deafness, autosomal recessive 66. Identifiers: Orphanet 90636, MedGen C1857750, MONDO:0012442, OMIM 610212.
Isolated neonatal sclerosing cholangitis (NSC). Also called: Sclerosing cholangitis, neonatal. Identifiers: Orphanet 480556, MedGen C4479344, MONDO:0018816, OMIM 617394.

gnomAD v4.1: 3 of 1,610,044 alleles (0.00019%); highest among the groups gnomAD compares: South Asian, 0.0011%; no homozygotes.

Submissions (2):

PreventionGenetics, part of Exact Sciences
Classification: Likely benign for DCDC2-related condition. Last evaluated: 2025-06-16. Review status: criteria provided, single submitter. Criteria: ACMG Guidelines, 2015. Collection method: clinical testing. Allele origin: germline.
Comment: This variant is classified as likely benign based on ACMG/AMP sequence variant interpretation guidelines (Richards et al. 2015 PMID: 25741868, with internal and published modifications).

Labcorp Genetics (formerly Invitae), Labcorp
Classification: Likely benign for Autosomal recessive nonsyndromic hearing loss 66; Isolated neonatal sclerosing cholangitis. Last evaluated: 2024-05-02. Review status: criteria provided, single submitter. Criteria: Invitae Variant Classification Sherloc (09022015). Collection method: clinical testing. Allele origin: germline.